The following is an entry in ClinVar:

NM_001110556.2(FLNA):c.66C>T (p.Asp22=)

Gene: FLNA (filamin A; minus strand). Cytogenetic location: Xq28.
Variant type: single nucleotide variant.
Coding change: c.66C>T on transcript NM_001110556.2 (MANE Select); coding-DNA position 66, C replaced by T.
Protein change: p.Asp22=; no amino-acid change (aspartic acid 22 retained).
Molecular consequence: synonymous variant.
Genome position (GRCh38, 1-based): chrX:154,371,180, G>A on the plus strand (C>T on the coding strand, the complement: FLNA is on the minus strand). VCF-style: chrX-154371180-G-A. GRCh37 (hg19) VCF-style: chrX-153599548-G-A.
Other names: c.66C>T (NM_001110556.1); c.66C>T, p.Asp22= (NM_001456.4).
Identifiers: ClinVar variation 211025 (VCV000211025.23), dbSNP rs782358007, ClinGen allele CA208737.
Genomic context (GRCh38, chrX:154,371,180, plus strand): 5'-CTTCCACGGCGCGTCCTCCGCCAGGTCCTTCTCGGTGGCCGGCATCTCGGCGTCCCGCGT[G>A]TCGACGCCGCCGCCCGGAGCCGCGCCTGCTGCGCTCTGGCCCGCCCGAGAGTGGGAGCTA-3'
Protein context (NP_001104026.1, residues 12-32): AAGAAPGGGV[Asp22=]TRDAEMPATE

ClinVar aggregate classification (germline): Conflicting classifications of pathogenicity. Review status: criteria provided, conflicting classifications (1 of 4 stars). 6 submissions from 6 submitters: Uncertain significance (1); Benign (1); Likely benign (3). 1 of the submissions does not count toward it. Last evaluated 2025-12-22.

Conditions:
Oto-palato-digital syndrome, type II (OPD2). Also called: FACIOPALATOOSSEOUS SYNDROME; Otopalatodigital Syndrome, Type II; Otopalatodigital Syndrome Type 2 (FLNA-OPD2); OPD II SYNDROME. Identifiers: Orphanet 669, Orphanet 90652, MedGen C1844696, MONDO:0010571, OMIM 304120.
Heterotopia, periventricular, X-linked dominant (PVNH1). Also called: X-linked periventricular heterotopia; PERIVENTRICULAR NODULAR HETEROTOPIA 1; PERIVENTRICULAR NODULAR HETEROTOPIA 4; HETEROTOPIA, PERIVENTRICULAR, 1. Identifiers: Orphanet 2149, Orphanet 82004, MedGen C1848213, MONDO:0010233, OMIM 300049.
Frontometaphyseal dysplasia (FMD1). Identifiers: Orphanet 1826, MedGen C0265293, MONDO:0015942.
Melnick-Needles syndrome (MNS). Also called: Melnick-Needles Syndrome (FLNA-MNS); MELNICK-NEEDLES OSTEODYSPLASTY; OSTEODYSPLASTY OF MELNICK AND NEEDLES. Identifiers: Orphanet 2484, MedGen C0025237, MONDO:0010650, OMIM 309350.
FLNA-related disorder.
Familial thoracic aortic aneurysm and aortic dissection (TAAD). Also called: Thoracic aortic aneurysms and dissections. Identifiers: Orphanet 91387, MedGen C4707243, MONDO:0019625.

Allele frequency attached by ClinVar (database versions not stated): ExAC 0.00010; gnomAD exomes 0.00021; gnomAD 0.00006; TOPMed 0.00009.

Submissions (6):

Labcorp Genetics (formerly Invitae), Labcorp
Classification: Benign for Oto-palato-digital syndrome, type II; Heterotopia, periventricular, X-linked dominant; Frontometaphyseal dysplasia; Melnick-Needles syndrome. Last evaluated: 2025-12-22. Review status: criteria provided, single submitter. Criteria: Invitae Variant Classification Sherloc (09022015). Collection method: clinical testing. Allele origin: germline.

Blueprint Genetics
Classification: Likely benign. Last evaluated: 2024-11-27. Review status: criteria provided, single submitter. Criteria: ACMG Guidelines, 2015. Collection method: clinical testing. Allele origin: germline.

GeneDx
Classification: Likely benign. Last evaluated: 2020-06-05. Review status: criteria provided, single submitter. Criteria: GeneDx Variant Classification Process June 2021. Collection method: clinical testing. Allele origin: germline. Affected: yes.

Ambry Genetics
Classification: Likely benign for Familial thoracic aortic aneurysm and aortic dissection. Last evaluated: 2016-02-24. Review status: criteria provided, single submitter. Criteria: Ambry Variant Classification Scheme 2023. Collection method: clinical testing. Allele origin: germline.

Genetic Services Laboratory, University of Chicago
Classification: Uncertain significance. Last evaluated: 2015-01-29. Review status: criteria provided, single submitter. Criteria: ACMG Guidelines, 2015. Collection method: clinical testing. Allele origin: germline.

PreventionGenetics, part of Exact Sciences
Classification: Likely benign for FLNA-related condition. Last evaluated: 2019-04-02. Review status: no assertion criteria provided. Collection method: clinical testing. Allele origin: germline. Not counted in ClinVar's aggregate classification.
Comment: This variant is classified as likely benign based on ACMG/AMP sequence variant interpretation guidelines (Richards et al. 2015 PMID: 25741868, with internal and published modifications).